The following is an entry in ClinVar:

NM_014339.7(IL17RA):c.1100C>T (p.Ala367Val)

Gene: IL17RA (interleukin 17 receptor A; plus strand). Cytogenetic location: 22q11.1.
Variant type: single nucleotide variant.
Coding change: c.1100C>T on transcript NM_014339.7 (MANE Select); coding-DNA position 1100, C replaced by T.
Protein change: p.Ala367Val; replaces alanine 367 with valine.
Molecular consequence: missense variant.
Genome position (GRCh38, 1-based): chr22:17,108,319, C>T. VCF-style: chr22-17108319-C-T. GRCh37 (hg19) VCF-style: chr22-17589209-C-T.
Other names: c.998C>T, p.Ala333Val (NM_001289905.2); short protein forms A367V, A333V.
Identifiers: ClinVar variation 340591 (VCV000340591.21), dbSNP rs879577, ClinGen allele CA10086673.

ClinVar aggregate classification (germline): Benign. Review status: criteria provided, multiple submitters, no conflicts (2 of 4 stars). 5 submissions from 5 submitters: Benign (5). Last evaluated 2026-02-04.

Conditions:
Immunodeficiency 51 (IMD51). Also called: CANDIDIASIS, FAMILIAL, 5. Identifiers: Orphanet 1334, MedGen C4310803, MONDO:0013500, OMIM 613953.

Allele frequency attached by ClinVar (database versions not stated): ExAC 0.24531; 1000 Genomes Project 0.27157; 1000 Genomes Project 30x 0.27858; gnomAD 0.29184; TOPMed 0.30032; ESP Exome Variant Server 0.30752.
gnomAD v4.1: 398,453 of 1,613,456 alleles (25%); highest among the groups gnomAD compares: African/African-American, 43%; 51,785 homozygotes.

Submissions (5):

Labcorp Genetics (formerly Invitae), Labcorp
Classification: Benign for Immunodeficiency 51. Last evaluated: 2026-02-04. Review status: criteria provided, single submitter. Criteria: Invitae Variant Classification Sherloc (09022015). Collection method: clinical testing. Allele origin: germline.

Unidad de Genómica Garrahan, Hospital de Pediatría Garrahan
Classification: Benign. Last evaluated: 2024-01-24. Review status: criteria provided, single submitter. Criteria: ACMG Guidelines, 2015. Collection method: clinical testing. Allele origin: germline. Affected: no. Observed: 40 variant alleles.
Comment: This variant is classified as Benign based on local population frequency. This variant was detected in 42% of patients studied by a panel of primary immunodeficiencies. Number of patients: 40. Only high quality variants are reported.

Mayo Clinic Laboratories, Mayo Clinic
Classification: Benign. Last evaluated: 2022-09-06. Review status: criteria provided, single submitter. Criteria: ACMG Guidelines, 2015. Collection method: clinical testing. Allele origin: germline. Observed: 37 variant alleles.

Laboratory for Molecular Medicine, Mass General Brigham Personalized Medicine
Classification: Benign. Last evaluated: 2016-03-29. Review status: criteria provided, single submitter. Criteria: LMM Criteria. Collection method: clinical testing. Allele origin: germline.
Comment: Variant identified in a genome or exome case(s) and assessed due to predicted null impact of the variant or pathogenic assertions in the literature or databases. Disclaimer: This variant has not undergone full assessment. The following are preliminary notes: Frequency

Breakthrough Genomics
Classification: Benign. Review status: criteria provided, single submitter. Criteria: ACMG Guidelines, 2015. Collection method: not provided. Allele origin: germline. Inheritance: Autosomal recessive inheritance. Affected: yes.